The following is an entry in ClinVar:

NM_002528.7(NTHL1):c.855_856delinsTT (p.His286Tyr)

Gene: NTHL1 (nth like DNA glycosylase 1; minus strand). Cytogenetic location: 16p13.3.
Variant type: Indel.
Coding change: c.855_856delinsTT on transcript NM_002528.7 (MANE Select); coding-DNA positions 855 to 856, GC replaced by TT.
Protein change: p.His286Tyr; replaces histidine 286 with tyrosine.
Molecular consequence: missense variant.
Genome position (GRCh38, 1-based): chr16:2,039,983-2,039,984, GC replaced by AA on the plus strand (GC replaced by TT on the coding strand, the reverse complement: NTHL1 is on the minus strand). VCF-style: chr16-2039983-GC-AA. GRCh37 (hg19) VCF-style: chr16-2089984-GC-AA.
Other names: c.879_880delGCinsTT (NM_002528.5); c.684_685delinsTT, p.His229Tyr (NM_001318193.2); c.525_526delinsTT, p.His176Tyr (NM_001318194.2); short protein forms H176Y, H286Y, H229Y.
Identifiers: ClinVar variation 834403 (VCV000834403.11), dbSNP rs2084237200, ClinGen allele CA916083474.
Genomic context (GRCh38, chr16:2,039,983, plus strand): 5'-ATCAGAGACCCTGGGCGGCCGGGCAGAGGGCTTGGTTGAGGCAGGCGTGGCAGCGAGGGT[GC>AA]ACAGGCAGACAGGTCTGCTGGCCGAAGCCCACCAAGAGTCCATTGATCTCGTGCCACAGC-3'
Protein context (NP_002519.2, residues 276-296): GFGQQTCLPV[His286Tyr]PRCHACLNQA

ClinVar aggregate classification (germline): Uncertain significance. Review status: criteria provided, multiple submitters, no conflicts (2 of 4 stars). 2 submissions from 2 submitters: Uncertain significance (2). Last evaluated 2025-09-15.

Conditions:
Hereditary cancer-predisposing syndrome. Also called: Hereditary neoplastic syndrome; Neoplastic Syndromes, Hereditary; Tumor predisposition; Hereditary Cancer Syndrome. Identifiers: Orphanet 140162, MedGen C0027672, MeSH D009386, MONDO:0015356.

Submissions (2):

Ambry Genetics
Classification: Uncertain significance for Hereditary cancer-predisposing syndrome. Last evaluated: 2025-09-15. Review status: criteria provided, single submitter. Criteria: Ambry Variant Classification Scheme 2023. Collection method: clinical testing. Allele origin: germline.
Comment: The c.879_880delGCinsTT variant (also known as p.H294Y), located in coding exon 6 of the NTHL1 gene, results from an in-frame deletion of GC and insertion of TT at nucleotide positions 879 to 880. This results in the substitution of the histidine residue for a tyrosine residue at codon 294, an amino acid with similar properties. This amino acid position is poorly conserved in available vertebrate species. In addition, this alteration is predicted to be tolerated by in silico analysis. Since supporting evidence is limited at this time, the clinical significance of this alteration remains unclear.

Labcorp Genetics (formerly Invitae), Labcorp
Classification: Uncertain significance. Last evaluated: 2025-03-26. Review status: criteria provided, single submitter. Criteria: Invitae Variant Classification Sherloc (09022015). Collection method: clinical testing. Allele origin: germline.
Comment: This sequence change replaces histidine, which is basic and polar, with tyrosine, which is neutral and polar, at codon 294 of the NTHL1 protein (p.His294Tyr). Information on the frequency of this variant in the gnomAD database is not available, as this variant may be reported differently in the database. This variant has not been reported in the literature in individuals affected with NTHL1-related conditions. ClinVar contains an entry for this variant (Variation ID: 834403). Experimental studies and prediction algorithms are not available or were not evaluated, and the functional significance of this variant is currently unknown. In summary, the available evidence is currently insufficient to determine the role of this variant in disease. Therefore, it has been classified as a Variant of Uncertain Significance.